The following is an entry in ClinVar:

ClinVar aggregate classification (germline): Uncertain significance (1 of 4 stars; one submission).

Allele frequency attached by ClinVar (database versions not stated): gnomAD 0.00002.
gnomAD v4.1: 55 of 1,612,804 alleles (0.0034%); highest among the groups gnomAD compares: Non-Finnish European, 0.0046%; no homozygotes.

Submission:

Labcorp Genetics (formerly Invitae), Labcorp
Classification: Uncertain significance. Last evaluated: 2025-03-17. Review status: criteria provided, single submitter. Criteria: Invitae Variant Classification Sherloc (09022015). Collection method: clinical testing. Allele origin: germline.
Comment: This sequence change replaces arginine, which is basic and polar, with leucine, which is neutral and non-polar, at codon 772 of the WFS1 protein (p.Arg772Leu). The frequency data for this variant in the population databases is considered unreliable, as metrics indicate poor data quality at this position in the gnomAD database. This variant has not been reported in the literature in individuals affected with WFS1-related conditions. ClinVar contains an entry for this variant (Variation ID: 1374061). Invitae Evidence Modeling of protein sequence and biophysical properties (such as structural, functional, and spatial information, amino acid conservation, physicochemical variation, residue mobility, and thermodynamic stability) has been performed for this missense variant. However, the output from this modeling did not meet the statistical confidence thresholds required to predict the impact of this variant on WFS1 protein function. In summary, the available evidence is currently insufficient to determine the role of this variant in disease. Therefore, it has been classified as a Variant of Uncertain Significance.

NM_006005.3(WFS1):c.2315G>T (p.Arg772Leu)

Gene: WFS1 (wolframin ER transmembrane glycoprotein; plus strand). Cytogenetic location: 4p16.1.
Variant type: single nucleotide variant.
Coding change: c.2315G>T on transcript NM_006005.3 (MANE Select); coding-DNA position 2315, G replaced by T.
Protein change: p.Arg772Leu; replaces arginine 772 with leucine.
Molecular consequence: missense variant.
Genome position (GRCh38, 1-based): chr4:6,302,110, G>T. VCF-style: chr4-6302110-G-T. GRCh37 (hg19) VCF-style: chr4-6303837-G-T.
Other names: c.2315G>T, p.Arg772Leu (NM_001145853.1); short protein forms R772L.
Identifiers: ClinVar variation 1374061 (VCV001374061.7), dbSNP rs758646445, ClinGen allele CA2839684.